The following is an entry in ClinVar:

NM_003579.4(RAD54L):c.1910A>G (p.His637Arg)

Genes: LRRC41 (leucine rich repeat containing 41; minus strand), RAD54L (RAD54 like; plus strand). Cytogenetic location: 1p34.1.
Variant type: single nucleotide variant.
Coding change: c.1910A>G on transcript NM_003579.4 (MANE Select); coding-DNA position 1910, A replaced by G.
Protein change: p.His637Arg; replaces histidine 637 with arginine.
Molecular consequence: missense variant. On other transcripts: 3 prime UTR variant (1).
Genome position (GRCh38, 1-based): chr1:46,277,857, A>G. VCF-style: chr1-46277857-A-G. GRCh37 (hg19) VCF-style: chr1-46743529-A-G.
Other names: c.*1008T>C (NM_006369.5); c.1910A>G, p.His637Arg (NM_001142548.2); c.1370A>G, p.His457Arg (NM_001370766.1); short protein forms H457R, H637R.
Identifiers: ClinVar variation 1782497 (VCV001782497.3), dbSNP rs753304857, ClinGen allele CA340189253.
Genomic context (GRCh38, chr1:46,277,857, plus strand): 5'-CCCCACCTCCTCTTCCCCAGGCAGGGACCATTGAGGAGAAGATCTTCCAGCGTCAGAGCC[A>G]CAAGAAGGCACTGAGCAGCTGTGTGGTGGATGAGGAGCAGGATGTAGAGCGCCACTTCTC-3'
Protein context (NP_003570.2, residues 627-647): IEEKIFQRQS[His637Arg]KKALSSCVVD

ClinVar aggregate classification (germline): Uncertain significance (1 of 4 stars; one submission).

Submission:

Ambry Genetics
Classification: Uncertain significance. Last evaluated: 2024-05-31. Review status: criteria provided, single submitter. Criteria: Ambry Variant Classification Scheme 2023. Collection method: clinical testing. Allele origin: germline.
Comment: The p.H637R variant (also known as c.1910A>G), located in coding exon 17 of the RAD54L gene, results from an A to G substitution at nucleotide position 1910. The histidine at codon 637 is replaced by arginine, an amino acid with highly similar properties. This amino acid position is conserved. In addition, the in silico prediction for this alteration is inconclusive. Since supporting evidence is limited at this time, the clinical significance of this alteration remains unclear.